The following is an entry in ClinVar:

NM_002439.5(MSH3):c.3295A>C (p.Thr1099Pro)

Gene: MSH3 (mutS homolog 3; plus strand). Cytogenetic location: 5q14.1.
Variant type: single nucleotide variant.
Coding change: c.3295A>C on transcript NM_002439.5 (MANE Select); coding-DNA position 3295, A replaced by C.
Protein change: p.Thr1099Pro; replaces threonine 1099 with proline.
Molecular consequence: missense variant.
Genome position (GRCh38, 1-based): chr5:80,873,280, A>C. VCF-style: chr5-80873280-A-C. GRCh37 (hg19) VCF-style: chr5-80169099-A-C.
Other names: short protein forms T1099P.
Identifiers: ClinVar variation 1053588 (VCV001053588.12), dbSNP rs2112128980, ClinGen allele CA360347180.

ClinVar aggregate classification (germline): Uncertain significance. Review status: criteria provided, multiple submitters, no conflicts (2 of 4 stars). 2 submissions from 2 submitters: Uncertain significance (2). Last evaluated 2025-02-02.

Conditions:
Hereditary cancer-predisposing syndrome. Also called: Tumor predisposition; Hereditary neoplastic syndrome; Hereditary Cancer Syndrome; Neoplastic Syndromes, Hereditary. Identifiers: Orphanet 140162, MedGen C0027672, MeSH D009386, MONDO:0015356.

Allele frequency attached by ClinVar (database versions not stated): gnomAD exomes below 0.00001.
gnomAD v4.1: 1 of 1,613,902 alleles (0.000062%); highest among the groups gnomAD compares: Non-Finnish European, 0.000085%; no homozygotes.

Submissions (2):

Ambry Genetics
Classification: Uncertain significance for Hereditary cancer-predisposing syndrome. Last evaluated: 2025-02-02. Review status: criteria provided, single submitter. Criteria: Ambry Variant Classification Scheme 2023. Collection method: clinical testing. Allele origin: germline.
Comment: The p.T1099P variant (also known as c.3295A>C), located in coding exon 23 of the MSH3 gene, results from an A to C substitution at nucleotide position 3295. The threonine at codon 1099 is replaced by proline, an amino acid with highly similar properties. This amino acid position is poorly conserved in available vertebrate species. In addition, this alteration is predicted to be tolerated by in silico analysis. Since supporting evidence is limited at this time, the clinical significance of this alteration remains unclear.

Labcorp Genetics (formerly Invitae), Labcorp
Classification: Uncertain significance. Last evaluated: 2023-11-02. Review status: criteria provided, single submitter. Criteria: Invitae Variant Classification Sherloc (09022015). Collection method: clinical testing. Allele origin: germline.
Comment: This sequence change replaces threonine, which is neutral and polar, with proline, which is neutral and non-polar, at codon 1099 of the MSH3 protein (p.Thr1099Pro). This variant is not present in population databases (gnomAD no frequency). This variant has not been reported in the literature in individuals affected with MSH3-related conditions. ClinVar contains an entry for this variant (Variation ID: 1053588). An algorithm developed to predict the effect of missense changes on protein structure and function (PolyPhen-2) suggests that this variant is likely to be tolerated. In summary, the available evidence is currently insufficient to determine the role of this variant in disease. Therefore, it has been classified as a Variant of Uncertain Significance.